The following is an entry in ClinVar:

ClinVar aggregate classification (germline): Uncertain significance (1 of 4 stars; one submission).

Submission:

Dasa
Classification: Uncertain significance. Last evaluated: 2026-04-21. Review status: criteria provided, single submitter. Criteria: DASA Assertion Criteria. Collection method: clinical testing. Allele origin: germline.
Comment: NM_006035.4(CDC42BPB):c.4885C>T (p.Arg1629Cys) is a missense variant that results in the substitution of arginine with cysteine. This variant is rare in population databases. The currently available literature and clinical evidence are not sufficient to establish a definitive association between this variant and the reported condition. Therefore, this variant is classified as a variant of uncertain significance.

NM_006035.4(CDC42BPB):c.4885C>T (p.Arg1629Cys)

Gene: CDC42BPB (CDC42 binding protein kinase beta; minus strand). Cytogenetic location: 14q32.32.
Variant type: single nucleotide variant.
Coding change: c.4885C>T on transcript NM_006035.4 (MANE Select); coding-DNA position 4885, C replaced by T.
Protein change: p.Arg1629Cys; replaces arginine 1629 with cysteine.
Molecular consequence: missense variant.
Genome position (GRCh38, 1-based): chr14:102,938,354, G>A on the plus strand (C>T on the coding strand, the complement: CDC42BPB is on the minus strand). VCF-style: chr14-102938354-G-A. GRCh37 (hg19) VCF-style: chr14-103404691-G-A.
Other names: c.4807C>T, p.Arg1603Cys (NM_001411054.1); short protein forms R1603C, R1629C.
Identifiers: ClinVar variation 4883042 (VCV004883042.2).